The following is an entry in ClinVar:

NM_032043.3(BRIP1):c.3596T>A (p.Leu1199Gln)

Gene: BRIP1 (BRCA1 interacting DNA helicase 1; minus strand). Cytogenetic location: 17q23.2.
Variant type: single nucleotide variant.
Coding change: c.3596T>A on transcript NM_032043.3 (MANE Select); coding-DNA position 3596, T replaced by A.
Protein change: p.Leu1199Gln; replaces leucine 1199 with glutamine.
Molecular consequence: missense variant.
Genome position (GRCh38, 1-based): chr17:61,683,450, A>T on the plus strand (T>A on the coding strand, the complement: BRIP1 is on the minus strand). VCF-style: chr17-61683450-A-T. GRCh37 (hg19) VCF-style: chr17-59760811-A-T.
Other names: short protein forms L1199Q.
Identifiers: ClinVar variation 1733021 (VCV001733021.2), dbSNP rs1603274834, ClinGen allele CA400478111.

ClinVar aggregate classification (germline): Uncertain significance (1 of 4 stars; one submission).

Conditions:
Hereditary cancer-predisposing syndrome. Also called: Neoplastic Syndromes, Hereditary; Tumor predisposition; Hereditary Cancer Syndrome; Hereditary neoplastic syndrome. Identifiers: Orphanet 140162, MedGen C0027672, MeSH D009386, MONDO:0015356.

Submission:

Ambry Genetics
Classification: Uncertain significance for Hereditary cancer-predisposing syndrome. Last evaluated: 2022-06-14. Review status: criteria provided, single submitter. Criteria: Ambry Variant Classification Scheme 2023. Collection method: clinical testing. Allele origin: germline.
Comment: The p.L1199Q variant (also known as c.3596T>A), located in coding exon 19 of the BRIP1 gene, results from a T to A substitution at nucleotide position 3596. The leucine at codon 1199 is replaced by glutamine, an amino acid with dissimilar properties. This amino acid position is conserved. In addition, this alteration is predicted to be tolerated by in silico analysis. Since supporting evidence is limited at this time, the clinical significance of this alteration remains unclear.